The following is an entry in ClinVar:

ClinVar aggregate classification (germline): Uncertain significance (1 of 4 stars; one submission).

Conditions:
Amyotrophic lateral sclerosis (ALS). Also called: Lou Gehrig disease; Charcot disease. Identifiers: Orphanet 803, MedGen C0002736, MONDO:0004976, HP:0007354.

Submission:

Department of Neurology, Brain Research Institute, Niigata University
Classification: Uncertain significance for Amyotrophic lateral sclerosis. Last evaluated: 2026-09-21. Review status: criteria provided, single submitter. Criteria: ACMG Guidelines, 2015. Collection method: research. Allele origin: unknown. Affected: yes.
Comment: The prevalence of the variant in affected individuals is significantly increased compared to the prevalence in controls (LR = 143.9, EP = 6.78) (PS4).

NM_005243.4(EWSR1):c.1428_1436del (p.472GGP[3])

Gene: EWSR1 (EWS RNA binding protein 1; plus strand). Cytogenetic location: 22q12.2.
Variant type: Deletion.
Coding change: c.1428_1436del on transcript NM_005243.4 (MANE Select); coding-DNA positions 1428 to 1436, 9 bases deleted (CCCAGGAGG; older notation c.1428_1436delCCCAGGAGG).
Protein change: p.472GGP[3].
Molecular consequence: inframe deletion.
Genome position (GRCh38, 1-based): chr22:29,298,743-29,298,751, CCCAGGAGG deleted; deleting any 9 consecutive bases within chr22:29,298,735-29,298,751 gives the same sequence; the c. name uses the placement nearest the transcript's 3' end. VCF-style (leftmost placement, unchanged base first): chr22-29298734-TCCAGGAGGC-T. GRCh37 (hg19) VCF-style: chr22-29694724-TCCAGGAGGC-T.
Other names: c.1425_1433del, p.471GGP[3] (NM_001163285.2, NM_001438531.1, NM_001438540.1 and 1 more transcripts); c.1260_1268del, p.416GGP[3] (NM_001163286.2, NM_001438548.1, NM_001438553.1 and 1 more transcripts); c.1212_1220del, p.400GGP[3] (NM_001438463.1); c.1431_1439del, p.473GGP[3] (NM_001438500.1, NM_001438532.1, NM_001438536.1 and 1 more transcripts); c.1428_1436del, p.472GGP[3] (NM_001438528.1, NM_001438530.1, NM_001438535.1 and 2 more transcripts); c.1308_1316del, p.435GGP[2] (NM_001438544.1); c.1305_1313del, p.434GGP[2] (NM_001438545.1, NM_001438546.1, NM_001438550.1); c.1302_1310del, p.433GGP[2] (NM_001438547.1, NM_001438555.1); and 6 more.
Identifiers: ClinVar variation 4820030 (VCV004820030.2).
Genomic context (GRCh38, chr22:29,298,734, plus strand): 5'-TATAGCAAATTTGGTGCTACAGAGAAATGATTTGCTGTTTCTTGTTGTTCTTGTTGTAGG[TCCAGGAGGC>T]CCAGGAGGTCCTGGGGGACCCATGGGTCGCATGGGAGGCCGTGGAGGAGATAGAGGAGGC-3'